The following is an entry in ClinVar:

ClinVar aggregate classification (germline): Uncertain significance (1 of 4 stars; one submission).

Conditions:
Werner syndrome (WRN). Identifiers: Orphanet 902, MedGen C0043119, MONDO:0010196, OMIM 277700.

Allele frequency attached by ClinVar (database versions not stated): gnomAD 0.00001; ESP Exome Variant Server 0.00008; gnomAD exomes below 0.00001; ExAC 0.00001.

Submission:

Labcorp Genetics (formerly Invitae), Labcorp
Classification: Uncertain significance for Werner syndrome. Last evaluated: 2023-06-20. Review status: criteria provided, single submitter. Criteria: Invitae Variant Classification Sherloc (09022015). Collection method: clinical testing. Allele origin: germline.
Comment: In summary, the available evidence is currently insufficient to determine the role of this variant in disease. Therefore, it has been classified as a Variant of Uncertain Significance. An algorithm developed to predict the effect of missense changes on protein structure and function (PolyPhen-2) suggests that this variant¬†is likely to be tolerated. ClinVar contains an entry for this variant (Variation ID: 650079). This variant has not been reported in the literature in individuals affected with WRN-related conditions. This variant is present in population databases (rs377096989, gnomAD 0.008%). This sequence change replaces methionine, which is neutral and non-polar, with threonine, which is neutral and polar, at codon 1038 of the WRN protein (p.Met1038Thr).

NM_000553.6(WRN):c.3113T>C (p.Met1038Thr)

Gene: WRN (WRN RecQ like helicase; plus strand). Cytogenetic location: 8p12.
Variant type: single nucleotide variant.
Coding change: c.3113T>C on transcript NM_000553.6 (MANE Select); coding-DNA position 3113, T replaced by C.
Protein change: p.Met1038Thr; replaces methionine 1038 with threonine.
Molecular consequence: missense variant.
Genome position (GRCh38, 1-based): chr8:31,141,575, T>C. VCF-style: chr8-31141575-T-C. GRCh37 (hg19) VCF-style: chr8-30999091-T-C.
Other names: short protein forms M1038T.
Identifiers: ClinVar variation 650079 (VCV000650079.4), dbSNP rs377096989, ClinGen allele CA4704937.